The following is an entry in ClinVar:

NM_014989.7(RIMS1):c.3308G>A (p.Ser1103Asn)

Gene: RIMS1 (regulating synaptic membrane exocytosis 1; plus strand). Cytogenetic location: 6q13.
Variant type: single nucleotide variant.
Coding change: c.3308G>A on transcript NM_014989.7 (MANE Select); coding-DNA position 3308, G replaced by A.
Protein change: p.Ser1103Asn; replaces serine 1103 with asparagine.
Molecular consequence: missense variant. On other transcripts: intron variant (62).
Genome position (GRCh38, 1-based): chr6:72,265,503, G>A. VCF-style: chr6-72265503-G-A. GRCh37 (hg19) VCF-style: chr6-72975206-G-A.
Other names: c.1727G>A, p.Ser576Asn (NM_001350436.2); c.1470-457G>A (NM_001350428.2, NM_001350459.2, NM_001350424.2 and 1 more transcripts); c.1467-457G>A (NM_001350437.2, NM_001350430.2, NM_001350421.2 and 1 more transcripts); c.1616+451G>A (NM_001350458.2); c.1539-457G>A (NM_001350433.2, NM_001350446.2, NM_001350442.2 and 8 more transcripts); c.1538+4736G>A (NM_001350431.2); c.1476-457G>A (NM_001350457.2); c.1475+6392G>A (NM_001350460.2, NM_001350426.2, NM_001350429.2 and 1 more transcripts); and 14 more; short protein forms S576N, S1103N.
Identifiers: ClinVar variation 2063545 (VCV002063545.5), dbSNP rs377746076, ClinGen allele CA3886197.

ClinVar aggregate classification (germline): Uncertain significance. Review status: criteria provided, multiple submitters, no conflicts (2 of 4 stars). 2 submissions from 2 submitters: Uncertain significance (2). Last evaluated 2024-12-14.

Allele frequency attached by ClinVar (database versions not stated): gnomAD exomes below 0.00001; ExAC 0.00001; ESP Exome Variant Server 0.00008.
gnomAD v4.1: 9 of 1,514,908 alleles (0.00059%); highest among the groups gnomAD compares: Middle Eastern, 0.017%; no homozygotes.

Submissions (2):

Labcorp Genetics (formerly Invitae), Labcorp
Classification: Uncertain significance. Last evaluated: 2024-12-14. Review status: criteria provided, single submitter. Criteria: Invitae Variant Classification Sherloc (09022015). Collection method: clinical testing. Allele origin: germline.
Comment: This sequence change replaces serine, which is neutral and polar, with asparagine, which is neutral and polar, at codon 1103 of the RIMS1 protein (p.Ser1103Asn). This variant also falls at the last nucleotide of exon 21, which is part of the consensus splice site for this exon. This variant is present in population databases (rs377746076, gnomAD 0.003%). This variant has not been reported in the literature in individuals affected with RIMS1-related conditions. ClinVar contains an entry for this variant (Variation ID: 2063545). An algorithm developed to predict the effect of missense changes on protein structure and function (PolyPhen-2) suggests that this variant is likely to be tolerated. Variants that disrupt the consensus splice site are a relatively common cause of aberrant splicing (PMID: 17576681, 9536098). Algorithms developed to predict the effect of sequence changes on RNA splicing suggest that this variant may disrupt the consensus splice site. In summary, the available evidence is currently insufficient to determine the role of this variant in disease. Therefore, it has been classified as a Variant of Uncertain Significance.

Blueprint Genetics
Classification: Uncertain significance. Last evaluated: 2022-05-06. Review status: criteria provided, single submitter. Criteria: ACMG Guidelines, 2015. Collection method: clinical testing. Allele origin: germline.

Literature cited by the submitters: PubMed 17576681 (cited by Labcorp Genetics (formerly Invitae), Labcorp); PubMed 9536098 (cited by Labcorp Genetics (formerly Invitae), Labcorp).